The following is an entry in ClinVar:

ClinVar aggregate classification (germline): Likely benign. Review status: criteria provided, multiple submitters, no conflicts (2 of 4 stars). 3 submissions from 3 submitters: Likely benign (2). 1 of the submissions does not count toward it. Last evaluated 2024-09-09.

Conditions:
PCDH15-related disorder. Also called: PCDH15-related condition; PCDH15-related disorders.

Submissions (3):

Blueprint Genetics
Classification: Likely benign. Last evaluated: 2024-09-09. Review status: criteria provided, single submitter. Criteria: ACMG Guidelines, 2015. Collection method: clinical testing. Allele origin: germline.

CeGaT Center for Human Genetics Tuebingen
Classification: Likely benign. Last evaluated: 2022-07-01. Review status: criteria provided, single submitter. Criteria: CeGaT Center For Human Genetics Tuebingen Variant Classification Criteria Version 2. Collection method: clinical testing. Allele origin: germline. Affected: yes. Observed: 1 variant allele.
Comment: PCDH15: BP4

PreventionGenetics, part of Exact Sciences
Classification: Benign for PCDH15-related condition. Last evaluated: 2019-05-30. Review status: no assertion criteria provided. Collection method: clinical testing. Allele origin: germline. Not counted in ClinVar's aggregate classification.
Comment: This variant is classified as benign based on ACMG/AMP sequence variant interpretation guidelines (Richards et al. 2015 PMID: 25741868, with internal and published modifications).

NM_001384140.1(PCDH15):c.4672-8_4672-4del

Gene: PCDH15 (protocadherin related 15; minus strand). Cytogenetic location: 10q21.1.
Variant type: Microsatellite.
Coding change: c.4672-8_4672-4del on transcript NM_001384140.1 (MANE Select); 8 bases into the intron before coding-DNA position 4672 through 4 bases into the intron before coding-DNA position 4672, 5 bases deleted (TTTAT; older notation c.4672-8_4672-4delTTTAT).
Molecular consequence: intron variant.
Genome position (GRCh38, 1-based): chr10:53,807,134-53,807,138, ATAAA deleted on the plus strand (TTTAT on the coding strand, the reverse complement: PCDH15 is on the minus strand); deleting any 5 consecutive bases within chr10:53,807,134-53,807,143 gives the same sequence; the c. name uses the placement nearest the transcript's 3' end. VCF-style (leftmost placement, unchanged base first): chr10-53807133-GATAAA-G. GRCh37 (hg19) VCF-style: chr10-55566893-GATAAA-G.
Other names: c.4606-8_4606-4del5 (NM_001354429.1); c.4477-8_4477-4del (NM_001354420.2); c.4606-8_4606-4del (NM_001354429.2); c.4483-8_4483-4del (NM_001142772.2); c.4498-8_4498-4del (NM_001142771.2).
Identifiers: ClinVar variation 1701133 (VCV001701133.33), dbSNP rs528346155, ClinGen allele CA5504632.